The following is an entry in ClinVar:

NM_018706.7(DHTKD1):c.2416G>A (p.Val806Met)

Gene: DHTKD1 (dehydrogenase E1 and transketolase domain containing 1; plus strand). Cytogenetic location: 10p14.
Variant type: single nucleotide variant.
Coding change: c.2416G>A on transcript NM_018706.7 (MANE Select); coding-DNA position 2416, G replaced by A.
Protein change: p.Val806Met; replaces valine 806 with methionine.
Molecular consequence: missense variant.
Genome position (GRCh38, 1-based): chr10:12,118,762, G>A. VCF-style: chr10-12118762-G-A. GRCh37 (hg19) VCF-style: chr10-12160761-G-A.
Other names: short protein forms V806M.
Identifiers: ClinVar variation 2640302 (VCV002640302.27), dbSNP rs763567671, ClinGen allele CA376015984.
Genomic context (GRCh38, chr10:12,118,762, plus strand): 5'-TTTAAAAAATTTCTCCCCCACCCTATTGTTCCTTTTCTGTCCAACAGGGTTAAGACCCTC[G>A]TGTTCTGCTCCGGCAAACATTTCTACTCCCTGGTGAAACAAAGAGAATCTCTGGGGGCCA-3'
Protein context (NP_061176.4, residues 796-816): SVDPKKVKTL[Val806Met]FCSGKHFYSL

ClinVar aggregate classification (germline): Uncertain significance. Review status: criteria provided, multiple submitters, no conflicts (2 of 4 stars). 2 submissions from 2 submitters: Uncertain significance (2). Last evaluated 2023-11-07.

Conditions:
2-aminoadipic 2-oxoadipic aciduria (AAKAD). Also called: Aminoadipic aciduria; ALPHA-AMINOADIPIC AND ALPHA-KETOADIPIC ACIDURIA. Identifiers: Orphanet 79154, MedGen C1859817, MONDO:0008774, OMIM 204750.

Allele frequency attached by ClinVar (database versions not stated): TOPMed 0.00001.
gnomAD v4.1: 5 of 1,579,324 alleles (0.00032%); highest among the groups gnomAD compares: Admixed American, 0.0019%; no homozygotes.

Submissions (2):

Labcorp Genetics (formerly Invitae), Labcorp
Classification: Uncertain significance for 2-aminoadipic 2-oxoadipic aciduria. Last evaluated: 2023-11-07. Review status: criteria provided, single submitter. Criteria: Invitae Variant Classification Sherloc (09022015). Collection method: clinical testing. Allele origin: germline.
Comment: This sequence change replaces valine, which is neutral and non-polar, with methionine, which is neutral and non-polar, at codon 806 of the DHTKD1 protein (p.Val806Met). The frequency data for this variant in the population databases is considered unreliable, as metrics indicate poor data quality at this position in the gnomAD database. This variant has not been reported in the literature in individuals affected with DHTKD1-related conditions. Advanced modeling of protein sequence and biophysical properties (such as structural, functional, and spatial information, amino acid conservation, physicochemical variation, residue mobility, and thermodynamic stability) performed at Invitae indicates that this missense variant is not expected to disrupt DHTKD1 protein function with a negative predictive value of 80%. In summary, the available evidence is currently insufficient to determine the role of this variant in disease. Therefore, it has been classified as a Variant of Uncertain Significance.

CeGaT Center for Human Genetics Tuebingen
Classification: Uncertain significance. Last evaluated: 2023-10-01. Review status: criteria provided, single submitter. Criteria: CeGaT Center For Human Genetics Tuebingen Variant Classification Criteria Version 2. Collection method: clinical testing. Allele origin: germline. Affected: yes. Observed: 1 variant allele.
Comment: DHTKD1: PM2, BP4